The following is an entry in ClinVar:

NM_006231.4(POLE):c.1409A>G (p.Tyr470Cys)

Gene: POLE (DNA polymerase epsilon, catalytic subunit; minus strand). Cytogenetic location: 12q24.33.
Variant type: single nucleotide variant.
Coding change: c.1409A>G on transcript NM_006231.4 (MANE Select); coding-DNA position 1409, A replaced by G.
Protein change: p.Tyr470Cys; replaces tyrosine 470 with cysteine.
Molecular consequence: missense variant.
Genome position (GRCh38, 1-based): chr12:132,673,228, T>C on the plus strand (A>G on the coding strand, the complement: POLE is on the minus strand). VCF-style: chr12-132673228-T-C. GRCh37 (hg19) VCF-style: chr12-133249814-T-C.
Other names: short protein forms Y470C.
Identifiers: ClinVar variation 819137 (VCV000819137.10), dbSNP rs1593072353, ClinGen allele CA387358523.

ClinVar aggregate classification (germline): Uncertain significance. Review status: criteria provided, multiple submitters, no conflicts (2 of 4 stars). 2 submissions from 2 submitters: Uncertain significance (2). Last evaluated 2026-01-13.

Conditions:
Hereditary cancer-predisposing syndrome. Also called: Tumor predisposition; Neoplastic Syndromes, Hereditary; Hereditary Cancer Syndrome; Hereditary neoplastic syndrome. Identifiers: Orphanet 140162, MedGen C0027672, MeSH D009386, MONDO:0015356.

Submissions (2):

Ambry Genetics
Classification: Uncertain significance for Hereditary cancer-predisposing syndrome. Last evaluated: 2026-01-13. Review status: criteria provided, single submitter. Criteria: Ambry Variant Classification Scheme 2023. Collection method: clinical testing. Allele origin: germline.
Comment: The p.Y470C variant (also known as c.1409A>G), located in coding exon 14 of the POLE gene, results from an A to G substitution at nucleotide position 1409. The tyrosine at codon 470 is replaced by cysteine, an amino acid with highly dissimilar properties. This amino acid position is highly conserved in available vertebrate species. In addition, this alteration is predicted to be deleterious by in silico analysis. Since supporting evidence is limited at this time, the clinical significance of this alteration remains unclear.

Labcorp Genetics (formerly Invitae), Labcorp
Classification: Uncertain significance. Last evaluated: 2022-12-20. Review status: criteria provided, single submitter. Criteria: Invitae Variant Classification Sherloc (09022015). Collection method: clinical testing. Allele origin: germline.
Comment: Advanced modeling of protein sequence and biophysical properties (such as structural, functional, and spatial information, amino acid conservation, physicochemical variation, residue mobility, and thermodynamic stability) performed at Invitae indicates that this missense variant is expected to disrupt POLE protein function. In summary, the available evidence is currently insufficient to determine the role of this variant in disease. Therefore, it has been classified as a Variant of Uncertain Significance. ClinVar contains an entry for this variant (Variation ID: 819137). This variant has not been reported in the literature in individuals affected with POLE-related conditions. This variant is not present in population databases (gnomAD no frequency). This sequence change replaces tyrosine, which is neutral and polar, with cysteine, which is neutral and slightly polar, at codon 470 of the POLE protein (p.Tyr470Cys).